The following is an entry in ClinVar:

ClinVar aggregate classification (germline): Likely benign. Review status: criteria provided, multiple submitters, no conflicts (2 of 4 stars). 3 submissions from 3 submitters: Likely benign (2). 1 of the submissions does not count toward it. Last evaluated 2025-09-01.

Conditions:
NEPRO-related disorder. Also called: NEPRO-related condition.

Allele frequency attached by ClinVar (database versions not stated): 1000 Genomes Project 30x 0.00047; 1000 Genomes Project 0.00060; TOPMed 0.00190; gnomAD 0.00210; ExAC 0.00271; gnomAD exomes 0.00273; ESP Exome Variant Server 0.00300.
gnomAD v4.1: 4,273 of 1,613,754 alleles (0.26%); highest among the groups gnomAD compares: Non-Finnish European, 0.33%; 6 homozygotes.

Submissions (3):

CeGaT Center for Human Genetics Tuebingen
Classification: Likely benign. Last evaluated: 2025-09-01. Review status: criteria provided, single submitter. Criteria: CeGaT Center For Human Genetics Tuebingen Variant Classification Criteria Version 2. Collection method: clinical testing. Allele origin: germline. Affected: yes. Observed: 4 variant alleles.
Comment: RMP64: BP4, BP7

Blueprint Genetics
Classification: Likely benign. Last evaluated: 2024-11-26. Review status: criteria provided, single submitter. Criteria: ACMG Guidelines, 2015. Collection method: clinical testing. Allele origin: germline.

PreventionGenetics, part of Exact Sciences
Classification: Likely benign for NEPRO-related condition. Last evaluated: 2019-02-23. Review status: no assertion criteria provided. Collection method: clinical testing. Allele origin: germline. Not counted in ClinVar's aggregate classification.
Comment: This variant is classified as likely benign based on ACMG/AMP sequence variant interpretation guidelines (Richards et al. 2015 PMID: 25741868, with internal and published modifications).

NM_015412.4(RMP64):c.84G>A (p.Val28=)

Genes: NEPRO-AS1 (NEPRO antisense RNA 1; plus strand), RMP64 (ribonuclease MRP subunit p64; minus strand). Cytogenetic location: 3q13.2.
Variant type: single nucleotide variant.
Coding change: c.84G>A on transcript NM_015412.4 (MANE Select); coding-DNA position 84, G replaced by A.
Protein change: p.Val28=; no amino-acid change (valine 28 retained).
Molecular consequence: synonymous variant. On other transcripts: non-coding transcript variant (14), 5 prime UTR variant (5).
Genome position (GRCh38, 1-based): chr3:113,019,564, C>T on the plus strand (G>A on the coding strand, the complement: RMP64 is on the minus strand). VCF-style: chr3-113019564-C-T. GRCh37 (hg19) VCF-style: chr3-112738411-C-T.
Other names: c.84G>A, p.Val28= (NM_001319109.2); c.-53G>A (NM_001319110.2, NM_001319112.2, NM_001319115.2); c.-130G>A (NM_001319111.2); c.-174G>A (NM_001319114.2); c.84G>A (NM_015412.3).
Identifiers: ClinVar variation 2654036 (VCV002654036.26), dbSNP rs144842364, ClinGen allele CA2542305.